The following is an entry in ClinVar:

ClinVar aggregate classification (germline): Uncertain significance (1 of 4 stars; one submission).

Conditions:
Nephronophthisis. Also called: Juvenile Nephronophthisis. Identifiers: Orphanet 655, MedGen C0687120, MONDO:0019005, HP:0000090.

Submission:

Labcorp Genetics (formerly Invitae), Labcorp
Classification: Uncertain significance for Nephronophthisis. Last evaluated: 2022-09-01. Review status: criteria provided, single submitter. Criteria: Invitae Variant Classification Sherloc (09022015). Collection method: clinical testing. Allele origin: germline.
Comment: In summary, the available evidence is currently insufficient to determine the role of this variant in disease. Therefore, it has been classified as a Variant of Uncertain Significance. Algorithms developed to predict the effect of sequence changes on RNA splicing suggest that this variant may disrupt the consensus splice site. ClinVar contains an entry for this variant (Variation ID: 1486799). This variant has not been reported in the literature in individuals affected with NPHP4-related conditions. This variant is not present in population databases (gnomAD no frequency). This sequence change creates a premature translational stop signal (p.Leu1391*) in the NPHP4 gene. While this is not anticipated to result in nonsense mediated decay, it is expected to disrupt the last 36 amino acid(s) of the NPHP4 protein.

NM_015102.5(NPHP4):c.4172T>A (p.Leu1391Ter)

Gene: NPHP4 (nephrocystin 4; minus strand). Cytogenetic location: 1p36.31.
Variant type: single nucleotide variant.
Coding change: c.4172T>A on transcript NM_015102.5 (MANE Select); coding-DNA position 4172, T replaced by A.
Protein change: p.Leu1391Ter; replaces leucine 1391 with a stop codon.
Molecular consequence: nonsense. On other transcripts: non-coding transcript variant (1).
Genome position (GRCh38, 1-based): chr1:5,863,374, A>T on the plus strand (T>A on the coding strand, the complement: NPHP4 is on the minus strand). VCF-style: chr1-5863374-A-T. GRCh37 (hg19) VCF-style: chr1-5923434-A-T.
Other names: c.2633T>A, p.Leu878Ter (NM_001291593.2); c.2636T>A, p.Leu879Ter (NM_001291594.2); short protein forms L1391*, L878*, L879*.
Identifiers: ClinVar variation 1486799 (VCV001486799.6), dbSNP rs2100357134, ClinGen allele CA338047773.